The following is an entry in ClinVar:

ClinVar aggregate classification (germline): Uncertain significance. Review status: criteria provided, multiple submitters, no conflicts (2 of 4 stars). 2 submissions from 2 submitters: Uncertain significance (2). Last evaluated 2022-03-01.

Conditions:
Hereditary cancer-predisposing syndrome. Also called: Tumor predisposition; Hereditary Cancer Syndrome; Neoplastic Syndromes, Hereditary; Hereditary neoplastic syndrome. Identifiers: Orphanet 140162, MedGen C0027672, MeSH D009386, MONDO:0015356.
Peutz-Jeghers syndrome (PJS). Also called: POLYPOSIS, HAMARTOMATOUS INTESTINAL; POLYPS-AND-SPOTS SYNDROME; Peutz-Jeghers polyposis; Periorificial lentiginosis syndrome. Identifiers: Orphanet 2869, MedGen C0031269, MeSH D010580, MONDO:0008280, OMIM 175200.

Submissions (2):

Ambry Genetics
Classification: Uncertain significance for Hereditary cancer-predisposing syndrome. Last evaluated: 2022-03-01. Review status: criteria provided, single submitter. Criteria: Ambry Variant Classification Scheme 2023. Collection method: clinical testing. Allele origin: germline.
Comment: The p.R331G variant (also known as c.991C>G), located in coding exon 8 of the STK11 gene, results from a C to G substitution at nucleotide position 991. The arginine at codon 331 is replaced by glycine, an amino acid with dissimilar properties. This amino acid position is conserved. In addition, this alteration is predicted to be tolerated by in silico analysis. Since supporting evidence is limited at this time, the clinical significance of this alteration remains unclear.

Labcorp Genetics (formerly Invitae), Labcorp
Classification: Uncertain significance for Peutz-Jeghers syndrome. Last evaluated: 2019-06-13. Review status: criteria provided, single submitter. Criteria: Invitae Variant Classification Sherloc (09022015). Collection method: clinical testing. Allele origin: germline.
Comment: This sequence change replaces arginine with glycine at codon 331 of the STK11 protein (p.Arg331Gly). The arginine residue is moderately conserved and there is a moderate physicochemical difference between arginine and glycine. This variant is not present in population databases (ExAC no frequency). This variant has not been reported in the literature in individuals with STK11-related conditions. Algorithms developed to predict the effect of missense changes on protein structure and function are either unavailable or do not agree on the potential impact of this missense change (SIFT: "Tolerated"; PolyPhen-2: "Benign"; Align-GVGD: "Class C0"). In summary, the available evidence is currently insufficient to determine the role of this variant in disease. Therefore, it has been classified as a Variant of Uncertain Significance.

NM_000455.5(STK11):c.991C>G (p.Arg331Gly)

Genes: STK11 (serine/threonine kinase 11; plus strand), LOC130062899 (ATAC-STARR-seq lymphoblastoid active region 13597; plus strand). Cytogenetic location: 19p13.3.
Variant type: single nucleotide variant.
Coding change: c.991C>G on transcript NM_000455.5 (MANE Select); coding-DNA position 991, C replaced by G.
Protein change: p.Arg331Gly; replaces arginine 331 with glycine.
Molecular consequence: missense variant.
Genome position (GRCh38, 1-based): chr19:1,223,055, C>G. VCF-style: chr19-1223055-C-G. GRCh37 (hg19) VCF-style: chr19-1223054-C-G.
Other names: short protein forms R331G.
Identifiers: ClinVar variation 863175 (VCV000863175.12), dbSNP rs876658594, ClinGen allele CA402951637.